The following is an entry in ClinVar:

NC_000016.9:g.(?_8891573)_(8941682_?)dup

Gene: PMM2 (phosphomannomutase 2; plus strand). Cytogenetic location: 16p13.2.
Variant type: Duplication.
Identifiers: ClinVar variation 2422844 (VCV002422844.3).

ClinVar aggregate classification (germline): Uncertain significance (1 of 4 stars; one submission).

Conditions:
PMM2-congenital disorder of glycosylation. Also called: PMM2-CDG; CDG Ia; JAEKEN SYNDROME; PHOSPHOMANNOMUTASE 2 DEFICIENCY; CARBOHYDRATE-DEFICIENT GLYCOPROTEIN SYNDROME, TYPE Ia; Congenital disorder of glycosylation, type Ia. Identifiers: Orphanet 79318, MedGen C0349653, MONDO:0008907, OMIM 212065.

Submission:

Labcorp Genetics (formerly Invitae), Labcorp
Classification: Uncertain significance for PMM2-congenital disorder of glycosylation. Last evaluated: 2022-10-13. Review status: criteria provided, single submitter. Criteria: Invitae Variant Classification Sherloc (09022015). Collection method: clinical testing. Allele origin: germline.
Comment: A copy number gain of the genomic region encompassing the full coding sequence of the PMM2 gene has been identified. The boundaries of this event are unknown as they extend beyond the assayed region for this gene and therefore may encompass additional genes. As the precise location of this event is unknown, it may be in tandem or it may be located elsewhere in the genome. This variant has not been reported in the literature in individuals affected with PMM2-related conditions. In summary, the available evidence is currently insufficient to determine the role of this variant in disease. Therefore, it has been classified as a Variant of Uncertain Significance.